The following is an entry in ClinVar:

ClinVar aggregate classification (germline): Pathogenic (1 of 4 stars; one submission).

Conditions:
Intellectual disability, autosomal dominant 14 (CSS2). Also called: COFFIN-SIRIS SYNDROME 2. Identifiers: Orphanet 1465, MedGen C3553247, MONDO:0013819, OMIM 614607.

Submission:

Illumina Laboratory Services, Illumina
Classification: Pathogenic for Intellectual disability, autosomal dominant 14. Last evaluated: 2020-04-02. Review status: criteria provided, single submitter. Criteria: ICSLVariantClassificationCriteria RUGD 01 April 2020. Collection method: clinical testing. Allele origin: unknown.
Comment: The ARID1A c.1602C>A (p.Tyr534Ter) variant is a stop-gained variant that is predicted to result in a premature termination of the protein. A literature search was performed for the gene, cDNA change, and amino acid change. No publications were found based on this search. This variant is not found in the Genome Aggregation Database in a region of good sequencing coverage, so the variant is presumed to be rare. Based on the predicted truncating nature of the variant, its rarity, and identification in a de novo state, the p.Tyr534Ter variant is classified as pathogenic for Coffin-Siris syndrome.

Literature cited by the submitters: PubMed 25168959; PubMed 30123105.

NM_006015.6(ARID1A):c.1602C>A (p.Tyr534Ter)

Gene: ARID1A (AT-rich interaction domain 1A; plus strand). Cytogenetic location: 1p36.11.
Variant type: single nucleotide variant.
Coding change: c.1602C>A on transcript NM_006015.6 (MANE Select); coding-DNA position 1602, C replaced by A.
Protein change: p.Tyr534Ter; replaces tyrosine 534 with a stop codon.
Molecular consequence: nonsense.
Genome position (GRCh38, 1-based): chr1:26,731,403, C>A. VCF-style: chr1-26731403-C-A. GRCh37 (hg19) VCF-style: chr1-27057894-C-A.
Other names: c.1602C>A, p.Tyr534Ter (NM_139135.4); short protein forms Y534*.
Identifiers: ClinVar variation 973289 (VCV000973289.4), dbSNP rs781090386, ClinGen allele CA339268432.